The following is an entry in ClinVar:

ClinVar aggregate classification (germline): Likely benign. Review status: criteria provided, multiple submitters, no conflicts (2 of 4 stars). 5 submissions from 5 submitters: Likely benign (5). Last evaluated 2025-10-23.

Conditions:
Hereditary cancer-predisposing syndrome. Also called: Neoplastic Syndromes, Hereditary; Hereditary Cancer Syndrome; Tumor predisposition; Hereditary neoplastic syndrome. Identifiers: Orphanet 140162, MedGen C0027672, MeSH D009386, MONDO:0015356.
Multiple endocrine neoplasia, type 2 (MEN2). Identifiers: Orphanet 653, MedGen C4048306, MONDO:0019003. Disease mechanism: gain of function.

Allele frequency attached by ClinVar (database versions not stated): gnomAD exomes below 0.00001 and 0.00001; gnomAD 0.00001; TOPMed 0.00001.
gnomAD v4.1: 16 of 1,613,706 alleles (0.00099%); highest among the groups gnomAD compares: Admixed American, 0.0017%; no homozygotes.

Submissions (5):

Labcorp Genetics (formerly Invitae), Labcorp
Classification: Likely benign for Multiple endocrine neoplasia, type 2. Last evaluated: 2025-10-23. Review status: criteria provided, single submitter. Criteria: Invitae Variant Classification Sherloc (09022015). Collection method: clinical testing. Allele origin: germline.

CeGaT Center for Human Genetics Tuebingen
Classification: Likely benign. Last evaluated: 2025-04-01. Review status: criteria provided, single submitter. Criteria: CeGaT Center For Human Genetics Tuebingen Variant Classification Criteria Version 2. Collection method: clinical testing. Allele origin: germline. Affected: yes. Observed: 1 variant allele.
Comment: RET: BP4, BP7

All of Us Research Program, National Institutes of Health
Classification: Likely benign for Multiple endocrine neoplasia, type 2. Last evaluated: 2023-10-23. Review status: criteria provided, single submitter. Criteria: ACMG Guidelines, 2015. Collection method: clinical testing. Allele origin: germline. Inheritance: Autosomal dominant inheritance. Observed: 1 variant allele, 1 heterozygote.
Comment: This study involves interpretation of variants in research participants for the purpose of population health screening. Participant phenotype was not available at the time of variant classification. Additional details can be found in publication PMID: 35346344, PMCID: PMC8962531

Ambry Genetics
Classification: Likely benign for Hereditary cancer-predisposing syndrome. Last evaluated: 2021-01-19. Review status: criteria provided, single submitter. Criteria: Ambry Variant Classification Scheme 2023. Collection method: clinical testing. Allele origin: germline.

GeneDx
Classification: Likely benign. Last evaluated: 2017-05-25. Review status: criteria provided, single submitter. Criteria: GeneDx Variant Classification (06012015). Collection method: clinical testing. Allele origin: germline. Affected: yes.
Comment: This variant is considered likely benign or benign based on one or more of the following criteria: it is a conservative change, it occurs at a poorly conserved position in the protein, it is predicted to be benign by multiple in silico algorithms, and/or has population frequency not consistent with disease.

NM_020975.6(RET):c.1221C>T (p.Thr407=)

Gene: RET (ret proto-oncogene; plus strand). Cytogenetic location: 10q11.21.
Variant type: single nucleotide variant.
Coding change: c.1221C>T on transcript NM_020975.6 (MANE Select); coding-DNA position 1221, C replaced by T.
Protein change: p.Thr407=; no amino-acid change (threonine 407 retained).
Molecular consequence: synonymous variant. On other transcripts: intron variant (18).
Genome position (GRCh38, 1-based): chr10:43,109,188, C>T. VCF-style: chr10-43109188-C-T. GRCh37 (hg19) VCF-style: chr10-43604636-C-T.
Other names: c.1221C>T, p.Thr407= (NM_000323.2, NM_001406743.1, NM_001406744.1 and 6 more transcripts); c.459C>T, p.Thr153= (NM_001355216.2); c.1092C>T, p.Thr364= (NM_001406761.1, NM_001406762.1, NM_001406764.1 and 1 more transcripts); c.933C>T, p.Thr311= (NM_001406766.1, NM_001406767.1, NM_001406770.1); c.783C>T, p.Thr261= (NM_001406771.1, NM_001406773.1); c.495C>T, p.Thr165= (NM_001406775.1, NM_001406776.1, NM_001406777.1 and 1 more transcripts); c.231C>T, p.Thr77= (NM_001406784.1); c.868-2019C>T (NM_001406772.1, NM_001406769.1); and 5 more.
Identifiers: ClinVar variation 517867 (VCV000517867.23), dbSNP rs1222385123, ClinGen allele CA469026442.